The following is an entry in ClinVar:

ClinVar aggregate classification (germline): Uncertain significance (1 of 4 stars; one submission).

Conditions:
Inborn genetic diseases. Identifiers: MedGen C0950123, MeSH D030342.

gnomAD v4.1: 2 of 1,541,550 alleles (0.00013%); highest among the groups gnomAD compares: Admixed American, 0.002%; no homozygotes.

Submission:

Ambry Genetics
Classification: Uncertain significance for Inborn genetic diseases. Last evaluated: 2026-07-06. Review status: criteria provided, single submitter. Criteria: Ambry Variant Classification Scheme 2023. Collection method: clinical testing. Allele origin: germline.
Comment: The p.D4260N variant (also known as c.12778G>A), located in coding exon 91 of the RYR1 gene, results from a G to A substitution at nucleotide position 12778. The aspartic acid at codon 4260 is replaced by asparagine, an amino acid with highly similar properties. This amino acid position is conserved. In addition, this alteration is predicted to be tolerated by in silico analysis. Based on the available evidence, the clinical significance of this variant remains unclear.

NM_000540.3(RYR1):c.12778G>A (p.Asp4260Asn)

Gene: RYR1 (ryanodine receptor 1; plus strand). Cytogenetic location: 19q13.2.
Variant type: single nucleotide variant.
Coding change: c.12778G>A on transcript NM_000540.3 (MANE Select); coding-DNA position 12778, G replaced by A.
Protein change: p.Asp4260Asn; replaces aspartic acid 4260 with asparagine.
Molecular consequence: missense variant.
Genome position (GRCh38, 1-based): chr19:38,565,112, G>A. VCF-style: chr19-38565112-G-A. GRCh37 (hg19) VCF-style: chr19-39055752-G-A.
Other names: c.12763G>A, p.Asp4255Asn (NM_001042723.2); short protein forms D4255N, D4260N.
Identifiers: ClinVar variation 5028626 (VCV005028626.1).